The following is an entry in ClinVar:

ClinVar aggregate classification (germline): Conflicting classifications of pathogenicity. Review status: criteria provided, conflicting classifications (1 of 4 stars). 7 submissions from 7 submitters: Pathogenic (1); Uncertain significance (5). 1 of the submissions does not count toward it. Last evaluated 2024-05-22.

Conditions:
Autosomal recessive limb-girdle muscular dystrophy type 2B (LGMDR2). Also called: MUSCULAR DYSTROPHY, LIMB-GIRDLE, TYPE 3; MUSCULAR DYSTROPHY, LIMB-GIRDLE, AUTOSOMAL RECESSIVE 2; Limb-Girdle Muscular Dystrophy Type 2B (LGMD2B); Limb-girdle muscular dystrophy, type 2B. Identifiers: Orphanet 268, MedGen C1850889, MONDO:0009676, OMIM 253601.
Neuromuscular disease caused by qualitative or quantitative defects of dysferlin. Also called: Qualitative or quantitative defects of dysferlin; Dysferlinopathy. Identifiers: Orphanet 207073, MedGen C2931687, MONDO:0016145.

Allele frequency attached by ClinVar (database versions not stated): TOPMed 0.00001.
gnomAD v4.1: 44 of 1,613,984 alleles (0.0027%); highest among the groups gnomAD compares: South Asian, 0.043%; no homozygotes.

Submissions (7):

Labcorp Genetics (formerly Invitae), Labcorp
Classification: Pathogenic for Neuromuscular disease caused by qualitative or quantitative defects of dysferlin. Last evaluated: 2024-05-22. Review status: criteria provided, single submitter. Criteria: Invitae Variant Classification Sherloc (09022015). Collection method: clinical testing. Allele origin: germline.
Comment: This sequence change affects codon 1598 of the DYSF mRNA. It is a 'silent' change, meaning that it does not change the encoded amino acid sequence of the DYSF protein. This variant also falls at the last nucleotide of exon 43, which is part of the consensus splice site for this exon. This variant is present in population databases (rs141704244, gnomAD 0.05%). This variant has been observed in individual(s) with limb-girdle muscular dystrophy (Invitae). In at least one individual the data is consistent with being in trans (on the opposite chromosome) from a pathogenic variant. ClinVar contains an entry for this variant (Variation ID: 288089). Variants that disrupt the consensus splice site are a relatively common cause of aberrant splicing (PMID: 17576681, 9536098). Algorithms developed to predict the effect of sequence changes on RNA splicing suggest that this variant may disrupt the consensus splice site. This variant disrupts the c.4794G nucleotide in the DYSF gene. Other variant(s) that disrupt this nucleotide have been determined to be pathogenic (PMID: 27195159). This suggests that this nucleotide is clinically significant, and that variants that disrupt this position are likely to be disease-causing. For these reasons, this variant has been classified as Pathogenic.

Molecular Genetics, Royal Melbourne Hospital
Classification: Uncertain significance for Neuromuscular disease caused by qualitative or quantitative defects of dysferlin. Last evaluated: 2024-03-01. Review status: criteria provided, single submitter. Criteria: ACMG Guidelines, 2015. Collection method: clinical testing. Allele origin: germline. Inheritance: Autosomal recessive inheritance.
Comment: This sequence change is a synonymous (silent) variant altering the last base of exon 44 of DYSF that is predicted to impact splicing (SpliceAI). The highest population minor allele frequency in the population database gnomAD v4.0 is 0.04% (39/91,076 alleles) in the South Asian population, which is consistent with recessive disease. This variant has been observed with a second variant of uncertain significance in an individual with limb-girdle muscular dystrophy (LGMD, PMID: 30564623). Another variant at the same nucleotide position (c.4911G>T) with a similar predicted splice impact to the variant under assessment has been classified as likely pathogenic for LGMD (ClinVar ID: ID: 94331; PMID: 21520333, 27195159, 30564623, 33610434, 36983702). Based on the classification scheme RMH Modified ACMG/AMP Guidelines v1.6.1, this variant is classified as a VARIANT OF UNCERTAIN SIGNIFICANCE. Following criteria are met: PM2_Supporting, PP3, PS1_Moderate.

Blueprint Genetics
Classification: Uncertain significance. Last evaluated: 2023-05-25. Review status: criteria provided, single submitter. Criteria: ACMG Guidelines, 2015. Collection method: clinical testing. Allele origin: germline.

Eurofins Ntd Llc (ga)
Classification: Uncertain significance. Last evaluated: 2016-05-12. Review status: criteria provided, single submitter. Criteria: EGL Classification Definitions 2015. Collection method: clinical testing. Allele origin: germline. Observed: 1 variant allele, 1 heterozygote.

Breakthrough Genomics
Classification: Uncertain significance. Review status: criteria provided, single submitter. Criteria: ACMG Guidelines, 2015. Collection method: not provided. Allele origin: germline. Inheritance: Autosomal recessive inheritance. Affected: yes.

Neuberg Centre For Genomic Medicine, NCGM
Classification: Uncertain significance for Autosomal recessive limb-girdle muscular dystrophy type 2B. Review status: criteria provided, single submitter. Criteria: ACMG Guidelines, 2015. Collection method: clinical testing. Allele origin: germline. Inheritance: Autosomal recessive inheritance. Affected: yes.
Comment: The synonymous variant p.K1637= in DYSF (NM_001130987.2) has been submitted to ClinVar as a Variant of Uncertain Significance, but no details are available for independent assessment. It has not been reported in affected individuals. This p.Lys1637 type of mutation causes no change in the protein that is produced, which is why it's considered as synonymous mutation. This variant also falls at the last nucleotide of exon 43 of the DYSF coding sequence, which is part of the consensus splice site for this exon. Nucleotide substitutions within the consensus splice site are a relatively common cause of aberrant splicing (Buratti et al, 2007, Zhang et al, 1998). The nucleotide c.4911 in DYSF is predicted conserved by GERP++ and PhyloP across 100 vertebrates. For these reasons, this variant has been classified as Uncertain Significance. In the absence of another reportable variant molecular diagnosis is not confirmed.

Natera, Inc.
Classification: Uncertain significance for Limb-girdle muscular dystrophy type 2B. Last evaluated: 2019-10-28. Review status: no assertion criteria provided. Collection method: clinical testing. Allele origin: germline. Not counted in ClinVar's aggregate classification.

Literature cited by the submitters: PubMed 17576681 (cited by Labcorp Genetics (formerly Invitae), Labcorp); PubMed 9536098 (cited by Labcorp Genetics (formerly Invitae), Labcorp); PubMed 27195159 (cited by Labcorp Genetics (formerly Invitae), Labcorp and Molecular Genetics, Royal Melbourne Hospital); PubMed 21520333 (cited by Molecular Genetics, Royal Melbourne Hospital); PubMed 30564623 (cited by Molecular Genetics, Royal Melbourne Hospital); PubMed 33610434 (cited by Molecular Genetics, Royal Melbourne Hospital); PubMed 36983702 (cited by Molecular Genetics, Royal Melbourne Hospital).

NM_001130987.2(DYSF):c.4911G>A (p.Lys1637=)

Gene: DYSF (dysferlin; plus strand). Cytogenetic location: 2p13.2.
Variant type: single nucleotide variant.
Coding change: c.4911G>A on transcript NM_001130987.2 (MANE Select); coding-DNA position 4911, G replaced by A.
Protein change: p.Lys1637=; no amino-acid change (lysine 1637 retained).
Molecular consequence: synonymous variant.
Genome position (GRCh38, 1-based): chr2:71,659,033, G>A. VCF-style: chr2-71659033-G-A. GRCh37 (hg19) VCF-style: chr2-71886163-G-A.
Other names: c.4797G>A, p.Lys1599= (NM_001130455.2); c.4752G>A, p.Lys1584= (NM_001130976.2); c.4815G>A, p.Lys1605= (NM_001130977.2); c.4857G>A, p.Lys1619= (NM_001130978.2); c.4887G>A, p.Lys1629= (NM_001130979.2); c.4845G>A, p.Lys1615= (NM_001130980.2); c.4908G>A, p.Lys1636= (NM_001130981.2); c.4890G>A, p.Lys1630= (NM_001130982.2); and 5 more.
Identifiers: ClinVar variation 288089 (VCV000288089.12), dbSNP rs141704244, ClinGen allele CA1707168.